The following is an entry in ClinVar:

NM_024422.6(DSC2):c.1521G>A (p.Arg507=)

Gene: DSC2 (desmocollin 2; minus strand). Cytogenetic location: 18q12.1.
Variant type: single nucleotide variant.
Coding change: c.1521G>A on transcript NM_024422.6 (MANE Select); coding-DNA position 1521, G replaced by A.
Protein change: p.Arg507=; no amino-acid change (arginine 507 retained).
Molecular consequence: synonymous variant.
Genome position (GRCh38, 1-based): chr18:31,079,989, C>T on the plus strand (G>A on the coding strand, the complement: DSC2 is on the minus strand). VCF-style: chr18-31079989-C-T. GRCh37 (hg19) VCF-style: chr18-28659955-C-T.
Other names: c.1092G>A, p.Arg364= (NM_001406506.1, NM_001406507.1); c.1521G>A, p.Arg507= (NM_004949.5); c.1521G>A (NM_024422.3).
Identifiers: ClinVar variation 1723419 (VCV001723419.5), dbSNP rs1444350890, ClinGen allele CA503527373.

ClinVar aggregate classification (germline): Conflicting classifications of pathogenicity. Review status: criteria provided, conflicting classifications (1 of 4 stars). 4 submissions from 4 submitters: Uncertain significance (2); Likely benign (2). Last evaluated 2025-10-12.

Conditions:
Cardiovascular phenotype. Identifiers: MedGen CN230736.
Arrhythmogenic right ventricular dysplasia 11. Also called: Arrhythmogenic Right Ventricular Dysplasia/Cardiomyopathy11; ARRHYTHMOGENIC RIGHT VENTRICULAR DYSPLASIA, FAMILIAL, 11; Arrhythmogenic right ventricular dysplasia 11 with mild palmoplantar keratoderma and woolly hair. Identifiers: MedGen C1864850, MONDO:0012506, OMIM 610476.
Cardiomyopathy (CMYO). Also called: Cardiomyopathies. Identifiers: Orphanet 167848, MedGen C0878544, MONDO:0004994, HP:0001638. Inheritance: Various modes of inheritance.

Allele frequency attached by ClinVar (database versions not stated): TOPMed 0.00005; gnomAD exomes 0.00001; gnomAD 0.00007.
gnomAD v4.1: 23 of 1,613,176 alleles (0.0014%); highest among the groups gnomAD compares: Admixed American, 0.03%; no homozygotes.

Submissions (4):

Labcorp Genetics (formerly Invitae), Labcorp
Classification: Uncertain significance for Arrhythmogenic right ventricular dysplasia 11. Last evaluated: 2025-10-12. Review status: criteria provided, single submitter. Criteria: Invitae Variant Classification Sherloc (09022015). Collection method: clinical testing. Allele origin: germline.
Comment: This sequence change affects codon 507 of the DSC2 mRNA. It is a 'silent' change, meaning that it does not change the encoded amino acid sequence of the DSC2 protein. It affects a nucleotide within the consensus splice site. This variant is present in population databases (no rsID available, gnomAD 0.02%). This variant has been observed in individual(s) with clinical features of arrhythmogenic cardiomyopathy (PMID: 23812740, 28600387). ClinVar contains an entry for this variant (Variation ID: 1723419). Algorithms developed to predict the effect of sequence changes on RNA splicing suggest that this variant is not likely to affect RNA splicing. In summary, the available evidence is currently insufficient to determine the role of this variant in disease. Therefore, it has been classified as a Variant of Uncertain Significance.

Ambry Genetics
Classification: Likely benign for Cardiovascular phenotype. Last evaluated: 2025-08-03. Review status: criteria provided, single submitter. Criteria: Ambry Variant Classification Scheme 2023. Collection method: clinical testing. Allele origin: germline.

Color Diagnostics, LLC DBA Color Health
Classification: Likely benign for Cardiomyopathy. Last evaluated: 2025-03-28. Review status: criteria provided, single submitter. Criteria: ACMG Guidelines, 2015. Collection method: clinical testing. Allele origin: germline.

Women's Health and Genetics/Laboratory Corporation of America, LabCorp
Classification: Uncertain significance. Last evaluated: 2022-10-28. Review status: criteria provided, single submitter. Criteria: LabCorp Variant Classification Summary - May 2015. Collection method: clinical testing. Allele origin: germline.
Comment: Variant summary: DSC2 c.1521G>A (p.Arg507Arg) alters a non-conserved nucleotide located as the first nucleotide of exon 11 adjacent to a canonical intron 10 splice acceptor site and therefore could affect mRNA splicing, leading to a significantly altered protein sequence. Several computational tools predict a significant impact on normal splicing: Three predict the variant weakens the canonical 3' splice acceptor site. One predict the variant abolishes the canonical 3' splice acceptor site. However, these predictions have yet to be confirmed by functional studies. The variant allele was found at a frequency of 2.8e-05 in 250904 control chromosomes. The available data on variant occurrences in the general population are insufficient to allow any conclusion about variant significance. c.1521G>A has been reported in the literature in at-least one individual reportedly affected with Arrhythmogenic Right Ventricular Dysplasia/Cardiomyopathy who also had an unaffected relative with this variant (example, Mellor_2017). The authors classified this variant as pathogenic, however, these data do not allow any conclusion about variant significance. A recent study has listed this variant classification as "questionable" in a study aimed at "re-evaluation of genetic variants previously associated with arrhythmogenic right ventricular cardiomyopathy integrating population-based cohorts and proteomics data" (example, Ye_2019). To our knowledge, no experimental evidence demonstrating an impact on protein function has been reported. No clinical diagnostic laboratories have submitted clinical-significance assessments for this variant to ClinVar after 2014. Based on the evidence outlined above, the variant was classified as uncertain significance.

Literature cited by the submitters: PubMed 23812740 (cited by Labcorp Genetics (formerly Invitae), Labcorp); PubMed 28600387 (cited by Labcorp Genetics (formerly Invitae), Labcorp and Women's Health and Genetics/Laboratory Corporation of America, LabCorp); PubMed 31402444 (cited by Women's Health and Genetics/Laboratory Corporation of America, LabCorp).